The following is an entry in ClinVar:

ClinVar aggregate classification (germline): Uncertain significance (1 of 4 stars; one submission).

Submission:

Ambry Genetics
Classification: Uncertain significance. Last evaluated: 2021-10-27. Review status: criteria provided, single submitter. Criteria: Ambry Variant Classification Scheme 2023. Collection method: clinical testing. Allele origin: germline.
Comment: The p.G2507V variant (also known as c.7520G>T), located in coding exon 28 of the POLQ gene, results from a G to T substitution at nucleotide position 7520. The glycine at codon 2507 is replaced by valine, an amino acid with dissimilar properties. This amino acid position is conserved. In addition, this alteration is predicted to be tolerated by in silico analysis. Since supporting evidence is limited at this time, the clinical significance of this alteration remains unclear.

NM_199420.4(POLQ):c.7520G>T (p.Gly2507Val)

Gene: POLQ (DNA polymerase theta; minus strand). Cytogenetic location: 3q13.33.
Variant type: single nucleotide variant.
Coding change: c.7520G>T on transcript NM_199420.4 (MANE Select); coding-DNA position 7520, G replaced by T.
Protein change: p.Gly2507Val; replaces glycine 2507 with valine.
Molecular consequence: missense variant.
Genome position (GRCh38, 1-based): chr3:121,436,145, C>A on the plus strand (G>T on the coding strand, the complement: POLQ is on the minus strand). VCF-style: chr3-121436145-C-A. GRCh37 (hg19) VCF-style: chr3-121154992-C-A.
Other names: short protein forms G2507V.
Identifiers: ClinVar variation 1759334 (VCV001759334.2), dbSNP rs145493365, ClinGen allele CA354095617.